The following is an entry in ClinVar:

NM_006565.4(CTCF):c.1277_1291del (p.Ile426_His430del)

Gene: CTCF (CCCTC-binding factor; plus strand). Cytogenetic location: 16q22.1.
Variant type: Deletion.
Coding change: c.1277_1291del on transcript NM_006565.4 (MANE Select); coding-DNA positions 1277 to 1291, 15 bases deleted (TTTTACAGAAGCACA).
Protein change: p.Ile426_His430del.
Molecular consequence: inframe deletion. On other transcripts: inframe indel (1).
Genome position (GRCh38, 1-based): chr16:67,621,511-67,621,525, TTTTACAGAAGCACA deleted; deleting any 15 consecutive bases within chr16:67,621,506-67,621,525 gives the same sequence; the c. name uses the placement nearest the transcript's 3' end. VCF-style (leftmost placement, unchanged base first): chr16-67621505-TGCACATTTTACAGAA-T. GRCh37 (hg19) VCF-style: chr16-67655408-TGCACATTTTACAGAA-T.
Other names: c.293_307del, p.Ile98_His102del (NM_001191022.2); c.1277_1291delTTTTACAGAAGCACA, p.Ile426_His430del (NM_001363916.2).
Identifiers: ClinVar variation 3078562 (VCV003078562.1), dbSNP rs2543472599, ClinGen allele CA2825002444.
Genomic context (GRCh38, chr16:67,621,505, plus strand): 5'-AAAAGCCTTATGAATGTTATATTTGTCATGCTCGGTTTACCCAAAGTGGTACCATGAAGA[TGCACATTTTACAGAA>T]GCACACAGAAAATGTGGCCAAATTTCACTGTCCCCACTGTGACACAGTCATAGCCCGAAA-3'

ClinVar aggregate classification (germline): Likely pathogenic (1 of 4 stars; one submission).

Conditions:
Inborn genetic diseases. Identifiers: MedGen C0950123, MeSH D030342.

Submission:

Ambry Genetics
Classification: Likely pathogenic for Inborn genetic diseases. Last evaluated: 2023-10-13. Review status: criteria provided, single submitter. Criteria: Ambry Variant Classification Scheme 2023. Collection method: clinical testing. Allele origin: germline.
Comment: The c.1277_1291del15 (p.I426_H430del) alteration, located in exon 7 (coding exon 5) of the CTCF gene, results from an in-frame deletion of 15 nucleotides at positions c.1277 to c.1291. This results in the deletion of 5 amino acids between codons 426 and 430. This variant was not reported in population-based cohorts in the Genome Aggregation Database (gnomAD). This amino acid position is highly conserved in available vertebrate species. This alteration is predicted to be deleterious by in silico analysis (Choi, 2012). Based on the available evidence, this alteration is classified as likely pathogenic.